The following is an entry in ClinVar:

NM_017849.4(TMEM127):c.155C>A (p.Ala52Asp)

Gene: TMEM127 (transmembrane protein 127; minus strand). Cytogenetic location: 2q11.2.
Variant type: single nucleotide variant.
Coding change: c.155C>A on transcript NM_017849.4 (MANE Select); coding-DNA position 155, C replaced by A.
Protein change: p.Ala52Asp; replaces alanine 52 with aspartic acid.
Molecular consequence: missense variant. On other transcripts: intron variant (1).
Genome position (GRCh38, 1-based): chr2:96,265,227, G>T on the plus strand (C>A on the coding strand, the complement: TMEM127 is on the minus strand). VCF-style: chr2-96265227-G-T. GRCh37 (hg19) VCF-style: chr2-96930965-G-T.
Other names: c.155C>A, p.Ala52Asp (NM_001193304.3); c.-9+642C>A (NM_001407283.1); short protein forms A52D.
Identifiers: ClinVar variation 3666184 (VCV003666184.3).
Genomic context (GRCh38, chr2:96,265,227, plus strand): 5'-AACACGTCGGAGACCCCCAGCTCCTGGCGCGAACAGGTGCCTCCGTGGATGTGCAACCAG[G>T]CGGGCTCGGCGAGGGCAGTGCACAGCGCCGTGATAGACAGGGCGCCAGGCAGGGCCGAGG-3'
Protein context (NP_060319.1, residues 42-62): TALCTALAEP[Ala52Asp]WLHIHGGTCS

ClinVar aggregate classification (germline): Uncertain significance. Review status: criteria provided, multiple submitters, no conflicts (2 of 4 stars). 2 submissions from 2 submitters: Uncertain significance (2). Last evaluated 2026-04-28.

Conditions:
Hereditary pheochromocytoma and paraganglioma. Also called: Hereditary Paraganglioma-Pheochromocytoma Syndromes; Hereditary pheochromocytoma-paraganglioma; Hereditary paragangliomas and pheochromocytomas. Identifiers: Orphanet 29072, MedGen C4274332, MONDO:0017366.
Hereditary cancer-predisposing syndrome. Also called: Hereditary neoplastic syndrome; Tumor predisposition; Hereditary Cancer Syndrome; Neoplastic Syndromes, Hereditary. Identifiers: Orphanet 140162, MedGen C0027672, MeSH D009386, MONDO:0015356.

Submissions (2):

Ambry Genetics
Classification: Uncertain significance for Hereditary cancer-predisposing syndrome. Last evaluated: 2026-04-28. Review status: criteria provided, single submitter. Criteria: Ambry Variant Classification Scheme 2023. Collection method: clinical testing. Allele origin: germline.
Comment: The p.A52D variant (also known as c.155C>A), located in coding exon 1 of the TMEM127 gene, results from a C to A substitution at nucleotide position 155. The alanine at codon 52 is replaced by aspartic acid, an amino acid with dissimilar properties. This amino acid position is conserved. In addition, this alteration is predicted to be deleterious by in silico analysis. Based on the available evidence, the clinical significance of this variant remains unclear.

Labcorp Genetics (formerly Invitae), Labcorp
Classification: Uncertain significance for Hereditary pheochromocytoma and paraganglioma. Last evaluated: 2024-06-07. Review status: criteria provided, single submitter. Criteria: Invitae Variant Classification Sherloc (09022015). Collection method: clinical testing. Allele origin: germline.
Comment: This sequence change replaces alanine, which is neutral and non-polar, with aspartic acid, which is acidic and polar, at codon 52 of the TMEM127 protein (p.Ala52Asp). This variant is not present in population databases (gnomAD no frequency). This variant has not been reported in the literature in individuals affected with TMEM127-related conditions. An algorithm developed to predict the effect of missense changes on protein structure and function (PolyPhen-2) suggests that this variant is likely to be tolerated. In summary, the available evidence is currently insufficient to determine the role of this variant in disease. Therefore, it has been classified as a Variant of Uncertain Significance.